The following is an entry in ClinVar:

ClinVar aggregate classification (germline): Likely benign. Review status: criteria provided, multiple submitters, no conflicts (2 of 4 stars). 6 submissions from 6 submitters: Likely benign (5). 1 of the submissions does not count toward it. Last evaluated 2025-10-01.

Conditions:
OSBPL2-related disorder. Also called: OSBPL2-related condition.

Allele frequency attached by ClinVar (database versions not stated): TOPMed 0.00028; gnomAD 0.00031; ESP Exome Variant Server 0.00077.
gnomAD v4.1: 773 of 1,605,424 alleles (0.048%); highest among the groups gnomAD compares: Non-Finnish European, 0.06%; 1 homozygote.

Submissions (6):

CeGaT Center for Human Genetics Tuebingen
Classification: Likely benign. Last evaluated: 2025-10-01. Review status: criteria provided, single submitter. Criteria: CeGaT Center For Human Genetics Tuebingen Variant Classification Criteria Version 2. Collection method: clinical testing. Allele origin: germline. Affected: yes. Observed: 1 variant allele.
Comment: OSBPL2: BP4, BP7

Labcorp Genetics (formerly Invitae), Labcorp
Classification: Likely benign. Last evaluated: 2025-03-17. Review status: criteria provided, single submitter. Criteria: Invitae Variant Classification Sherloc (09022015). Collection method: clinical testing. Allele origin: germline.

Blueprint Genetics
Classification: Likely benign. Last evaluated: 2024-10-09. Review status: criteria provided, single submitter. Criteria: ACMG Guidelines, 2015. Collection method: clinical testing. Allele origin: germline.

GeneDx
Classification: Likely benign. Last evaluated: 2020-01-31. Review status: criteria provided, single submitter. Criteria: GeneDx Variant Classification Process June 2021. Collection method: clinical testing. Allele origin: germline. Affected: yes.

Laboratory for Molecular Medicine, Mass General Brigham Personalized Medicine
Classification: Likely benign. Last evaluated: 2018-04-18. Review status: criteria provided, single submitter. Criteria: LMM Criteria. Collection method: clinical testing. Allele origin: germline. Observed: 1 variant allele.
Comment: p.Ser143Ser in exon 6 of OSBPL2: This variant is not expected to have clinical s ignificance because it does not alter an amino acid residue, it is not located w ithin the splice consensus sequence, and splice prediction algorithms do not pre dict a newly created splice site. It has been identified in 0.04% (24/66734) of European chromosomes by the Exome Aggregation Consortium (ExAC; dbSNP rs142341897). ACMG/AMP Criteria applied: BP4, BP7.

PreventionGenetics, part of Exact Sciences
Classification: Likely benign for OSBPL2-related condition. Last evaluated: 2019-09-05. Review status: no assertion criteria provided. Collection method: clinical testing. Allele origin: germline. Not counted in ClinVar's aggregate classification.
Comment: This variant is classified as likely benign based on ACMG/AMP sequence variant interpretation guidelines (Richards et al. 2015 PMID: 25741868, with internal and published modifications).

NM_144498.4(OSBPL2):c.429C>G (p.Ser143=)

Gene: OSBPL2 (oxysterol binding protein like 2; plus strand). Cytogenetic location: 20q13.33.
Variant type: single nucleotide variant.
Coding change: c.429C>G on transcript NM_144498.4 (MANE Select); coding-DNA position 429, C replaced by G.
Protein change: p.Ser143=; no amino-acid change (serine 143 retained).
Molecular consequence: synonymous variant.
Genome position (GRCh38, 1-based): chr20:62,273,344, C>G. VCF-style: chr20-62273344-C-G. GRCh37 (hg19) VCF-style: chr20-60848400-C-G.
Other names: c.153C>G, p.Ser51= (NM_001278649.3, NM_001363878.2); c.393C>G, p.Ser131= (NM_014835.5).
Identifiers: ClinVar variation 667138 (VCV000667138.23), dbSNP rs142341897, ClinGen allele CA9938469.
Genomic context (GRCh38, chr20:62,273,344, plus strand): 5'-TGTCCCCCCCGTGGATTATTTACAGTCTGTGGCTGCTTTTGCTGTTTCGGCTGTGGCTTC[C>G]CAGTGGGAGAGGACCGGCAAACCATTTAATCCACTCTTGGGAGAAACGTATGAATTAATC-3'
Protein context (NP_653081.1, residues 133-153): VAAFAVSAVA[Ser143=]QWERTGKPFN